The following is an entry in ClinVar:

NM_005359.6(SMAD4):c.239G>A (p.Gly80Glu)

Gene: SMAD4 (SMAD family member 4; plus strand). Cytogenetic location: 18q21.2.
Variant type: single nucleotide variant.
Coding change: c.239G>A on transcript NM_005359.6 (MANE Select); coding-DNA position 239, G replaced by A.
Protein change: p.Gly80Glu; replaces glycine 80 with glutamic acid.
Molecular consequence: missense variant.
Genome position (GRCh38, 1-based): chr18:51,047,285, G>A. VCF-style: chr18-51047285-G-A. GRCh37 (hg19) VCF-style: chr18-48573655-G-A.
Other names: c.239G>A, p.Gly80Glu (NM_001407041.1, NM_001407042.1, NM_001407043.1); short protein forms G80E.
Identifiers: ClinVar variation 1790689 (VCV001790689.3), dbSNP rs2144401933, ClinGen allele CA402458131.

ClinVar aggregate classification (germline): Uncertain significance (1 of 4 stars; one submission).

Conditions:
Familial thoracic aortic aneurysm and aortic dissection (TAAD). Also called: Thoracic aortic aneurysms and dissections. Identifiers: Orphanet 91387, MedGen C4707243, MONDO:0019625.
Hereditary cancer-predisposing syndrome. Also called: Hereditary Cancer Syndrome; Hereditary neoplastic syndrome; Neoplastic Syndromes, Hereditary; Tumor predisposition. Identifiers: Orphanet 140162, MedGen C0027672, MeSH D009386, MONDO:0015356.

Submission:

Ambry Genetics
Classification: Uncertain significance for Hereditary cancer-predisposing syndrome; Familial thoracic aortic aneurysm and aortic dissection. Last evaluated: 2026-07-30. Review status: criteria provided, single submitter. Criteria: Ambry Variant Classification Scheme 2023. Collection method: clinical testing. Allele origin: germline.
Comment: The p.G80E variant (also known as c.239G>A), located in coding exon 1 of the SMAD4 gene, results from a G to A substitution at nucleotide position 239. The glycine at codon 80 is replaced by glutamic acid, an amino acid with similar properties. This amino acid position is highly conserved in available vertebrate species. In addition, this alteration is predicted to be deleterious by in silico analysis. Based on the available evidence, the clinical significance of this variant remains unclear.